The following is an entry in ClinVar:

NM_198252.3(GSN):c.397G>A (p.Val133Met)

Gene: GSN (gelsolin; plus strand). Cytogenetic location: 9q33.2.
Variant type: single nucleotide variant.
Coding change: c.397G>A on transcript NM_198252.3 (MANE Select); coding-DNA position 397, G replaced by A.
Protein change: p.Val133Met; replaces valine 133 with methionine.
Molecular consequence: missense variant. On other transcripts: 5 prime UTR variant (1).
Genome position (GRCh38, 1-based): chr9:121,310,729, G>A. VCF-style: chr9-121310729-G-A. GRCh37 (hg19) VCF-style: chr9-124073007-G-A.
Other names: c.550G>A, p.Val184Met (NM_000177.5); c.397G>A, p.Val133Met (NM_001127662.2, NM_001127664.2, NM_001127665.2 and 10 more transcripts); c.505G>A, p.Val169Met (NM_001127663.2); c.430G>A, p.Val144Met (NM_001127666.2, NM_001127667.2, NM_001353063.2 and 13 more transcripts); c.448G>A, p.Val150Met (NM_001258029.2); c.421G>A, p.Val141Met (NM_001258030.2); c.469G>A, p.Val157Met (NM_001353076.2); c.-258G>A (NM_001353078.2); short protein forms V141M, V157M, V133M, V144M, V150M, V184M, V169M.
Identifiers: ClinVar variation 1403199 (VCV001403199.12), dbSNP rs368197143, ClinGen allele CA5220880.

ClinVar aggregate classification (germline): Conflicting classifications of pathogenicity. Review status: criteria provided, conflicting classifications (1 of 4 stars). 3 submissions from 3 submitters: Uncertain significance (2); Likely benign (1). Last evaluated 2025-06-24.

Conditions:
Finnish type amyloidosis. Also called: Amyloidosis 5; AMYLOIDOSIS, HEREDITARY SYSTEMIC 4, FINNISH TYPE; AMYLOID CRANIAL NEUROPATHY WITH LATTICE CORNEAL DYSTROPHY; AMYLOIDOSIS DUE TO MUTANT GELSOLIN; Amyloidosis, familial, Finnish type; Meretoja type amyloidosis. Identifiers: Orphanet 85448, MedGen C1622345, MONDO:0007097, OMIM 105120.
Inborn genetic diseases. Identifiers: MedGen C0950123, MeSH D030342.

Allele frequency attached by ClinVar (database versions not stated): ESP Exome Variant Server 0.00015.
gnomAD v4.1: 94 of 1,614,068 alleles (0.0058%); highest among the groups gnomAD compares: Admixed American, 0.022%; no homozygotes.

Submissions (3):

Labcorp Genetics (formerly Invitae), Labcorp
Classification: Uncertain significance. Last evaluated: 2025-06-24. Review status: criteria provided, single submitter. Criteria: Invitae Variant Classification Sherloc (09022015). Collection method: clinical testing. Allele origin: germline.
Comment: This sequence change replaces valine, which is neutral and non-polar, with methionine, which is neutral and non-polar, at codon 184 of the GSN protein (p.Val184Met). This variant is present in population databases (rs368197143, gnomAD 0.03%), and has an allele count higher than expected for a pathogenic variant. This variant has not been reported in the literature in individuals affected with GSN-related conditions. ClinVar contains an entry for this variant (Variation ID: 1403199). Invitae Evidence Modeling of protein sequence and biophysical properties (such as structural, functional, and spatial information, amino acid conservation, physicochemical variation, residue mobility, and thermodynamic stability) indicates that this missense variant is not expected to disrupt GSN protein function with a negative predictive value of 80%. In summary, the available evidence is currently insufficient to determine the role of this variant in disease. Therefore, it has been classified as a Variant of Uncertain Significance.

Fulgent Genetics
Classification: Uncertain significance for Finnish type amyloidosis. Last evaluated: 2024-05-21. Review status: criteria provided, single submitter. Criteria: ACMG Guidelines, 2015. Collection method: clinical testing. Allele origin: germline.

Ambry Genetics
Classification: Likely benign for Inborn genetic diseases. Last evaluated: 2022-02-03. Review status: criteria provided, single submitter. Criteria: Ambry Variant Classification Scheme 2023. Collection method: clinical testing. Allele origin: germline.